The following is an entry in ClinVar:

ClinVar aggregate classification (germline): Uncertain significance (1 of 4 stars; one submission).

Allele frequency attached by ClinVar (database versions not stated): gnomAD exomes below 0.00001.
gnomAD v4.1: 1 of 1,593,904 alleles (0.000063%); highest among the groups gnomAD compares: Admixed American, 0.0017%; no homozygotes.

Submission:

Labcorp Genetics (formerly Invitae), Labcorp
Classification: Uncertain significance. Last evaluated: 2022-08-19. Review status: criteria provided, single submitter. Criteria: Invitae Variant Classification Sherloc (09022015). Collection method: clinical testing. Allele origin: germline.
Comment: This sequence change replaces lysine, which is basic and polar, with glutamic acid, which is acidic and polar, at codon 640 of the HMCN1 protein (p.Lys640Glu). In summary, the available evidence is currently insufficient to determine the role of this variant in disease. Therefore, it has been classified as a Variant of Uncertain Significance. Algorithms developed to predict the effect of missense changes on protein structure and function are either unavailable or do not agree on the potential impact of this missense change (SIFT: "Tolerated"; PolyPhen-2: "Probably Damaging"; Align-GVGD: "Class C0"). This variant has not been reported in the literature in individuals affected with HMCN1-related conditions. This variant is not present in population databases (gnomAD no frequency).

NM_031935.3(HMCN1):c.1918A>G (p.Lys640Glu)

Gene: HMCN1 (hemicentin 1; plus strand). Cytogenetic location: 1q31.1.
Variant type: single nucleotide variant.
Coding change: c.1918A>G on transcript NM_031935.3 (MANE Select); coding-DNA position 1918, A replaced by G.
Protein change: p.Lys640Glu; replaces lysine 640 with glutamic acid.
Molecular consequence: missense variant.
Genome position (GRCh38, 1-based): chr1:185,962,607, A>G. VCF-style: chr1-185962607-A-G. GRCh37 (hg19) VCF-style: chr1-185931739-A-G.
Other names: short protein forms K640E.
Identifiers: ClinVar variation 1716986 (VCV001716986.5), dbSNP rs2527266333, ClinGen allele CA343874666.
Genomic context (GRCh38, chr1:185,962,607, plus strand): 5'-AATCAGTCTTTCACAGGAGGGTCTGAGGTCTCCATCATGTGTTCTGCAACAGGTTATCCC[A>G]AACCAAAGATTGCCTGGACCGTTAACGATATGTTTATCGTGGGTTCACACAGGTACTGGG-3'
Protein context (NP_114141.2, residues 630-650): SIMCSATGYP[Lys640Glu]PKIAWTVNDM